The following is an entry in ClinVar:

ClinVar aggregate classification (germline): Conflicting classifications of pathogenicity. Review status: criteria provided, conflicting classifications (1 of 4 stars). 2 submissions from 2 submitters: Uncertain significance (1); Likely benign (1). Last evaluated 2023-06-15.

Conditions:
Intellectual developmental disorder, X-linked, syndromic, with pigmentary mosaicism and coarse facies. Identifiers: MedGen C5561930, MONDO:0859080, OMIM 301066.
Renal cell carcinoma, Xp11-associated (RCCX1). Identifiers: MedGen C3275446, MONDO:0010456, OMIM 300854.

Allele frequency attached by ClinVar (database versions not stated): ExAC 0.00005; gnomAD exomes 0.00008; gnomAD 0.00011; TOPMed 0.00016.
gnomAD v4.1: 99 of 1,202,576 alleles (0.0082%); highest among the groups gnomAD compares: Middle Eastern, 0.023%; no homozygotes.

Submissions (2):

Department of Pathology and Laboratory Medicine, Sinai Health System
Classification: Uncertain significance for Renal cell carcinoma, Xp11-associated; Intellectual developmental disorder, X-linked, syndromic, with pigmentary mosaicism and coarse facies. Last evaluated: 2023-06-15. Review status: criteria provided, single submitter. Criteria: ACMG Guidelines, 2015. Collection method: research. Allele origin: germline.

CeGaT Center for Human Genetics Tuebingen
Classification: Likely benign. Last evaluated: 2022-12-01. Review status: criteria provided, single submitter. Criteria: CeGaT Center For Human Genetics Tuebingen Variant Classification Criteria Version 2. Collection method: clinical testing. Allele origin: germline. Affected: yes. Observed: 1 variant allele.
Comment: TFE3: BS2

NM_006521.6(TFE3):c.1592G>A (p.Gly531Glu)

Gene: TFE3 (transcription factor binding to IGHM enhancer 3; minus strand). Cytogenetic location: Xp11.23.
Variant type: single nucleotide variant.
Coding change: c.1592G>A on transcript NM_006521.6 (MANE Select); coding-DNA position 1592, G replaced by A.
Protein change: p.Gly531Glu; replaces glycine 531 with glutamic acid.
Molecular consequence: missense variant.
Genome position (GRCh38, 1-based): chrX:49,030,294, C>T on the plus strand (G>A on the coding strand, the complement: TFE3 is on the minus strand). VCF-style: chrX-49030294-C-T. GRCh37 (hg19) VCF-style: chrX-48887805-C-T.
Other names: c.1277G>A, p.Gly426Glu (NM_001282142.2); short protein forms G426E, G531E.
Identifiers: ClinVar variation 2660498 (VCV002660498.25), dbSNP rs782285732, ClinGen allele CA10407630.